The following is an entry in ClinVar:

NM_178012.5(TUBB2B):c.904G>A (p.Ala302Thr)

Gene: TUBB2B (tubulin beta 2B class IIb; minus strand). Cytogenetic location: 6p25.2.
Variant type: single nucleotide variant.
Coding change: c.904G>A on transcript NM_178012.5 (MANE Select); coding-DNA position 904, G replaced by A.
Protein change: p.Ala302Thr; replaces alanine 302 with threonine.
Molecular consequence: missense variant.
Genome position (GRCh38, 1-based): chr6:3,225,185, C>T on the plus strand (G>A on the coding strand, the complement: TUBB2B is on the minus strand). VCF-style: chr6-3225185-C-T. GRCh37 (hg19) VCF-style: chr6-3225419-C-T.
Other names: c.904G>A (NM_178012.4); short protein forms A302T.
Identifiers: ClinVar variation 1519873 (VCV001519873.4), dbSNP rs1581525766, ClinGen allele CA362586488.

ClinVar aggregate classification (germline): Likely pathogenic. Review status: criteria provided, multiple submitters, no conflicts (2 of 4 stars). 2 submissions from 2 submitters: Likely pathogenic (2). Last evaluated 2024-07-10.

Submissions (2):

GeneDx
Classification: Likely pathogenic. Last evaluated: 2024-07-10. Review status: criteria provided, single submitter. Criteria: GeneDx Variant Classification Process June 2021. Collection method: clinical testing. Allele origin: germline. Affected: yes.
Comment: Not observed at significant frequency in large population cohorts (gnomAD); In silico analysis supports that this missense variant has a deleterious effect on protein structure/function; Has not been previously published as pathogenic or benign to our knowledge; This variant is associated with the following publications: (PMID: 27010057)

Labcorp Genetics (formerly Invitae), Labcorp
Classification: Likely pathogenic. Last evaluated: 2021-09-01. Review status: criteria provided, single submitter. Criteria: Invitae Variant Classification Sherloc (09022015). Collection method: clinical testing. Allele origin: germline.